The following is an entry in ClinVar:

ClinVar aggregate classification (germline): Pathogenic (1 of 4 stars; one submission).

Submission:

Labcorp Genetics (formerly Invitae), Labcorp
Classification: Pathogenic. Last evaluated: 2023-03-12. Review status: criteria provided, single submitter. Criteria: Invitae Variant Classification Sherloc (09022015). Collection method: clinical testing. Allele origin: germline.
Comment: This sequence change creates a premature translational stop signal (p.Glu2314Thrfs*13) in the ADGRV1 gene. It is expected to result in an absent or disrupted protein product. Loss-of-function variants in ADGRV1 are known to be pathogenic (PMID: 19357117, 22135276, 22147658, 26226137, 30718709, 31047384, 32467589). This variant is not present in population databases (gnomAD no frequency). This premature translational stop signal has been observed in individual(s) with ADGRV1-related conditions (PMID: 23441107). For these reasons, this variant has been classified as Pathogenic.

Literature cited by the submitters: PubMed 19357117; PubMed 22135276; PubMed 22147658; PubMed 26226137; PubMed 30718709; PubMed 31047384; PubMed 32467589; PubMed 23441107.

NM_032119.4(ADGRV1):c.6932_6939dup (p.Glu2314fs)

Gene: ADGRV1 (adhesion G protein-coupled receptor V1; plus strand). Cytogenetic location: 5q14.3.
Variant type: Duplication.
Coding change: c.6932_6939dup on transcript NM_032119.4 (MANE Select); coding-DNA positions 6932 to 6939, 8 bases duplicated (ACGTTCCG; older notation c.6932_6939dupACGTTCCG).
Protein change: p.Glu2314fs; shifts the reading frame from glutamic acid 2314.
Molecular consequence: frameshift variant.
Genome position (GRCh38, 1-based): chr5:90,691,022-90,691,029, ACGTTCCG duplicated; duplicating any 8 consecutive bases within chr5:90,691,020-90,691,029 gives the same sequence; the c. name uses the placement nearest the transcript's 3' end. VCF-style (leftmost placement, unchanged base first): chr5-90691019-A-ACGACGTTC. GRCh37 (hg19) VCF-style: chr5-89986836-A-ACGACGTTC.
Other names: short protein forms E2314fs.
Identifiers: ClinVar variation 2734740 (VCV002734740.3), dbSNP rs2530908124, ClinGen allele CA2695204638.